The following is an entry in ClinVar:

ClinVar aggregate classification (germline): Uncertain significance (1 of 4 stars; one submission).

Conditions:
KCNA5-related disorder. Also called: KCNA5-related condition.

gnomAD v4.1: 1 of 1,613,736 alleles (0.000062%); highest among the groups gnomAD compares: Non-Finnish European, 0.000085%; no homozygotes.

Submission:

PreventionGenetics, part of Exact Sciences
Classification: Uncertain significance for KCNA5-related condition. Last evaluated: 2025-05-20. Review status: criteria provided, single submitter. Criteria: ACMG Guidelines, 2015. Collection method: clinical testing. Allele origin: germline.
Comment: The KCNA5 c.964G>T variant is predicted to result in the amino acid substitution p.Asp322Tyr. To our knowledge, this variant has not been reported in the literature. This variant is reported in 0.00089% of alleles in individuals of European (Non-Finnish) descent in gnomAD. At this time, the clinical significance of this variant is uncertain due to the absence of conclusive functional and genetic evidence.

NM_002234.4(KCNA5):c.964G>T (p.Asp322Tyr)

Gene: KCNA5 (potassium voltage-gated channel subfamily A member 5; plus strand). Cytogenetic location: 12p13.32.
Variant type: single nucleotide variant.
Coding change: c.964G>T on transcript NM_002234.4 (MANE Select); coding-DNA position 964, G replaced by T.
Protein change: p.Asp322Tyr; replaces aspartic acid 322 with tyrosine.
Molecular consequence: missense variant.
Genome position (GRCh38, 1-based): chr12:5,045,111, G>T. VCF-style: chr12-5045111-G-T. GRCh37 (hg19) VCF-style: chr12-5154277-G-T.
Other names: short protein forms D322Y.
Identifiers: ClinVar variation 4988667 (VCV004988667.1).